The following is an entry in ClinVar:

ClinVar aggregate classification (germline): Uncertain significance (1 of 4 stars; one submission).

Conditions:
Myoclonic dystonia 11 (DYT11). Also called: DYT-SGCE; Myoclonic dystonia; Dystonia 11; Dystonia, alcohol responsive; Hereditary essential myoclonus; SGCE Myoclonus-Dystonia. Identifiers: Orphanet 36899, MedGen C1834570, MONDO:0008044, OMIM 159900.

Allele frequency attached by ClinVar (database versions not stated): gnomAD exomes 0.00001; TOPMed 0.00001; ExAC 0.00003.
gnomAD v4.1: 12 of 1,611,536 alleles (0.00074%); highest among the groups gnomAD compares: South Asian, 0.0044%; no homozygotes.

Submission:

Labcorp Genetics (formerly Invitae), Labcorp
Classification: Uncertain significance for Myoclonic dystonia 11. Last evaluated: 2024-05-15. Review status: criteria provided, single submitter. Criteria: Invitae Variant Classification Sherloc (09022015). Collection method: clinical testing. Allele origin: germline.
Comment: This sequence change replaces arginine, which is basic and polar, with glutamine, which is neutral and polar, at codon 97 of the SGCE protein (p.Arg97Gln). This variant is present in population databases (rs11548285, gnomAD 0.003%). This variant has not been reported in the literature in individuals affected with SGCE-related conditions. ClinVar contains an entry for this variant (Variation ID: 464154). Advanced modeling of protein sequence and biophysical properties (such as structural, functional, and spatial information, amino acid conservation, physicochemical variation, residue mobility, and thermodynamic stability) performed at Invitae indicates that this missense variant is not expected to disrupt SGCE protein function with a negative predictive value of 80%. In summary, the available evidence is currently insufficient to determine the role of this variant in disease. Therefore, it has been classified as a Variant of Uncertain Significance.

NM_003919.3(SGCE):c.290G>A (p.Arg97Gln)

Genes: CASD1 (CAS1 domain sialic acid O acetyltransferase 1; plus strand), SGCE (sarcoglycan epsilon; minus strand). Cytogenetic location: 7q21.3.
Variant type: single nucleotide variant.
Coding change: c.290G>A on transcript NM_003919.3 (MANE Select); coding-DNA position 290, G replaced by A.
Protein change: p.Arg97Gln; replaces arginine 97 with glutamine.
Molecular consequence: missense variant.
Genome position (GRCh38, 1-based): chr7:94,628,302, C>T on the plus strand (G>A on the coding strand, the complement: SGCE is on the minus strand). VCF-style: chr7-94628302-C-T. GRCh37 (hg19) VCF-style: chr7-94257614-C-T.
Other names: c.290G>A, p.Arg97Gln (NM_001099400.2, NM_001099401.2, NM_001346717.2); c.167G>A, p.Arg56Gln (NM_001301139.2, NM_001362809.2); c.398G>A, p.Arg133Gln (NM_001346713.2, NM_001346715.2); c.203G>A, p.Arg68Gln (NM_001346719.2, NM_001362807.2); c.17G>A, p.Arg6Gln (NM_001346720.2, NM_001362808.2); short protein forms R97Q, R56Q, R133Q, R68Q, R6Q.
Identifiers: ClinVar variation 464154 (VCV000464154.10), dbSNP rs11548285, ClinGen allele CA4348844.
Genomic context (GRCh38, chr7:94,628,302, plus strand): 5'-GACCCATATAGGACTCCATCACTATATGGTGTCCTTTGGATATATCGAAGCCATCCAGGT[C>T]GGTCTGGGTAACCCATTAAATTTGTATTAAATGTTATGGGATCATTACTAATCTCGCCTA-3'
Protein context (NP_003910.1, residues 87-107): FNTNLMGYPD[Arg97Gln]PGWLRYIQRT